The following is an entry in ClinVar:

ClinVar aggregate classification (germline): Uncertain significance (1 of 4 stars; one submission).

Allele frequency attached by ClinVar (database versions not stated): gnomAD 0.00001; TOPMed 0.00001; gnomAD exomes 0.00003.
gnomAD v4.1: 50 of 1,609,360 alleles (0.0031%); highest among the groups gnomAD compares: Non-Finnish European, 0.0042%; no homozygotes.

Submission:

Women's Health and Genetics/Laboratory Corporation of America, LabCorp
Classification: Uncertain significance. Last evaluated: 2023-03-24. Review status: criteria provided, single submitter. Criteria: LabCorp Variant Classification Summary - May 2015. Collection method: clinical testing. Allele origin: germline.
Comment: Variant summary: ZNF292 c.7346A>T (p.Lys2449Ile) results in a non-conservative amino acid change in the encoded protein sequence. Four of five in-silico tools predict a damaging effect of the variant on protein function. The variant allele was found at a frequency of 8.3e-06 in 240212 control chromosomes (gnomAD). The available data on variant occurrences in the general population are insufficient to allow any conclusion about variant significance. To our knowledge, no occurrence of c.7346A>T in individuals affected with Autosomal Dominant Intellectual Developmental Disorder 64 and no experimental evidence demonstrating its impact on protein function have been reported. No clinical diagnostic laboratories have submitted clinical-significance assessments for this variant to ClinVar after 2014. Based on the evidence outlined above, the variant was classified as uncertain significance.

NM_015021.3(ZNF292):c.7346A>T (p.Lys2449Ile)

Gene: ZNF292 (zinc finger protein 292; plus strand). Cytogenetic location: 6q14.3.
Variant type: single nucleotide variant.
Coding change: c.7346A>T on transcript NM_015021.3 (MANE Select); coding-DNA position 7346, A replaced by T.
Protein change: p.Lys2449Ile; replaces lysine 2449 with isoleucine.
Molecular consequence: missense variant.
Genome position (GRCh38, 1-based): chr6:87,260,975, A>T. VCF-style: chr6-87260975-A-T. GRCh37 (hg19) VCF-style: chr6-87970693-A-T.
Other names: c.6926A>T, p.Lys2309Ile (NM_001351444.2); short protein forms K2309I, K2449I.
Identifiers: ClinVar variation 2501208 (VCV002501208.1), dbSNP rs950343147, ClinGen allele CA142838628.
Genomic context (GRCh38, chr6:87,260,975, plus strand): 5'-GGTGTTGCAACTCACAAGTAAAGGAAACGTCTGAGCAAGAAGGTGCTAAGAATGATGTGA[A>T]AGATTCTGACACGTGTGTATCAGAGAGCAATGATAATTCAAGAACAACAGCTACAGTTTC-3'
Protein context (NP_055836.1, residues 2439-2459): SEQEGAKNDV[Lys2449Ile]DSDTCVSESN